The following is an entry in ClinVar:

NM_016169.4(SUFU):c.305A>T (p.Asn102Ile)

Gene: SUFU (SUFU negative regulator of hedgehog signaling; plus strand). Cytogenetic location: 10q24.32.
Variant type: single nucleotide variant.
Coding change: c.305A>T on transcript NM_016169.4 (MANE Select); coding-DNA position 305, A replaced by T.
Protein change: p.Asn102Ile; replaces asparagine 102 with isoleucine.
Molecular consequence: missense variant.
Genome position (GRCh38, 1-based): chr10:102,509,291, A>T. VCF-style: chr10-102509291-A-T. GRCh37 (hg19) VCF-style: chr10-104269048-A-T.
Other names: c.305A>T, p.Asn102Ile (NM_001178133.2); short protein forms N102I.
Identifiers: ClinVar variation 5030436 (VCV005030436.1).
Genomic context (GRCh38, chr10:102,509,291, plus strand): 5'-CTAACATCCCCGAGCACTGGCACTACATCAGCTTCGGCCTGAGTGATCTCTATGGTGACA[A>T]CAGAGTCCATGAGTGAGTATATGCCACCTGTTCTTTATCCAGAGCCTTATTCCTGAGGTC-3'
Protein context (NP_057253.2, residues 92-112): SFGLSDLYGD[Asn102Ile]RVHEFTGTDG

ClinVar aggregate classification (germline): Uncertain significance (1 of 4 stars; one submission).

Conditions:
Hereditary cancer-predisposing syndrome. Also called: Neoplastic Syndromes, Hereditary; Tumor predisposition; Hereditary neoplastic syndrome; Hereditary Cancer Syndrome. Identifiers: Orphanet 140162, MedGen C0027672, MeSH D009386, MONDO:0015356.

Submission:

Ambry Genetics
Classification: Uncertain significance for Hereditary cancer-predisposing syndrome. Last evaluated: 2026-07-24. Review status: criteria provided, single submitter. Criteria: Ambry Variant Classification Scheme 2023. Collection method: clinical testing. Allele origin: germline.
Comment: The p.N102I variant (also known as c.305A>T), located in coding exon 2 of the SUFU gene, results from an A to T substitution at nucleotide position 305. The asparagine at codon 102 is replaced by isoleucine, an amino acid with dissimilar properties. This amino acid position is conserved. In addition, this alteration is predicted to be tolerated by in silico analysis. Based on the available evidence, the clinical significance of this variant remains unclear.